The following is an entry in ClinVar:

NM_000426.4(LAMA2):c.877G>T (p.Ala293Ser)

Gene: LAMA2 (laminin subunit alpha 2; plus strand). Cytogenetic location: 6q22.33.
Variant type: single nucleotide variant.
Coding change: c.877G>T on transcript NM_000426.4 (MANE Select); coding-DNA position 877, G replaced by T.
Protein change: p.Ala293Ser; replaces alanine 293 with serine.
Molecular consequence: missense variant.
Genome position (GRCh38, 1-based): chr6:129,147,016, G>T. VCF-style: chr6-129147016-G-T. GRCh37 (hg19) VCF-style: chr6-129468161-G-T.
Other names: c.877G>T, p.Ala293Ser (NM_001079823.2); c.877G>T (NM_000426.3); short protein forms A293S.
Identifiers: ClinVar variation 1021248 (VCV001021248.9), dbSNP rs772184574, ClinGen allele CA3992451.
Genomic context (GRCh38, chr6:129,147,016, plus strand): 5'-CAGTATTACTACTCGGTCAAGGATATTTCAGTTGGAGGGATGTGCATCTGCTATGGTCAT[G>T]CCAGGGCTTGTCCACTTGATCCAGCGACAAATGTATGTATATTTATAGGATGCTTAGGCA-3'
Protein context (NP_000417.3, residues 283-303): VGGMCICYGH[Ala293Ser]RACPLDPATN

ClinVar aggregate classification (germline): Uncertain significance. Review status: criteria provided, multiple submitters, no conflicts (2 of 4 stars). 3 submissions from 3 submitters: Uncertain significance (3). Last evaluated 2025-11-10.

Conditions:
LAMA2-related muscular dystrophy (LAMA2-RD). Also called: Laminin alpha 2-related dystrophy. Identifiers: MedGen C5679788, MONDO:0100228.
Inborn genetic diseases. Identifiers: MedGen C0950123, MeSH D030342.

Allele frequency attached by ClinVar (database versions not stated): TOPMed below 0.00001; gnomAD 0.00001; gnomAD exomes 0.00001; ExAC 0.00002.
gnomAD v4.1: 15 of 1,611,442 alleles (0.00093%); highest among the groups gnomAD compares: Non-Finnish European, 0.0012%; no homozygotes.

Submissions (3):

Ambry Genetics
Classification: Uncertain significance for Inborn genetic diseases. Last evaluated: 2025-11-10. Review status: criteria provided, single submitter. Criteria: Ambry Variant Classification Scheme 2023. Collection method: clinical testing. Allele origin: germline.

Labcorp Genetics (formerly Invitae), Labcorp
Classification: Uncertain significance for LAMA2-related muscular dystrophy. Last evaluated: 2025-05-19. Review status: criteria provided, single submitter. Criteria: Invitae Variant Classification Sherloc (09022015). Collection method: clinical testing. Allele origin: germline.
Comment: This sequence change replaces alanine, which is neutral and non-polar, with serine, which is neutral and polar, at codon 293 of the LAMA2 protein (p.Ala293Ser). This variant is present in population databases (rs772184574, gnomAD 0.003%). This variant has not been reported in the literature in individuals affected with LAMA2-related conditions. ClinVar contains an entry for this variant (Variation ID: 1021248). Invitae Evidence Modeling of protein sequence and biophysical properties (such as structural, functional, and spatial information, amino acid conservation, physicochemical variation, residue mobility, and thermodynamic stability) indicates that this missense variant is not expected to disrupt LAMA2 protein function with a negative predictive value of 95%. In summary, the available evidence is currently insufficient to determine the role of this variant in disease. Therefore, it has been classified as a Variant of Uncertain Significance.

Revvity Omics, Revvity
Classification: Uncertain significance. Last evaluated: 2024-03-13. Review status: criteria provided, single submitter. Criteria: ACMG Guidelines, 2015. Collection method: clinical testing. Allele origin: germline.